The following is an entry in ClinVar:

ClinVar aggregate classification (germline): Uncertain significance. Review status: criteria provided, multiple submitters, no conflicts (2 of 4 stars). 2 submissions from 2 submitters: Uncertain significance (2). Last evaluated 2025-04-09.

Conditions:
Hereditary cancer-predisposing syndrome. Also called: Hereditary neoplastic syndrome; Neoplastic Syndromes, Hereditary; Tumor predisposition; Hereditary Cancer Syndrome. Identifiers: Orphanet 140162, MedGen C0027672, MeSH D009386, MONDO:0015356.

Allele frequency attached by ClinVar (database versions not stated): gnomAD exomes below 0.00001.
gnomAD v4.1: 3 of 1,427,420 alleles (0.00021%); highest among the groups gnomAD compares: Non-Finnish European, 0.00027%; no homozygotes.

Submissions (2):

Ambry Genetics
Classification: Uncertain significance for Hereditary cancer-predisposing syndrome. Last evaluated: 2025-04-09. Review status: criteria provided, single submitter. Criteria: Ambry Variant Classification Scheme 2023. Collection method: clinical testing. Allele origin: germline.
Comment: The c.63+3G>C intronic variant results from a G to C substitution 3 nucleotides after coding exon 1 in the SDHA gene. This nucleotide position is well conserved in available vertebrate species. In silico splice site analysis predicts that this alteration may result in the creation or strengthening of a novel splice donor site; however, direct evidence is insufficient at this time (Ambry internal data). Based on the available evidence, the clinical significance of this variant remains unclear.

GeneDx
Classification: Uncertain significance. Last evaluated: 2020-08-18. Review status: criteria provided, single submitter. Criteria: GeneDx Variant Classification Process June 2021. Collection method: clinical testing. Allele origin: germline. Affected: yes.
Comment: Not observed in large population cohorts (Lek et al., 2016); In silico analysis supports that this variant does not alter splicing

NM_004168.4(SDHA):c.63+3G>C

Gene: SDHA (succinate dehydrogenase complex flavoprotein subunit A; plus strand). Cytogenetic location: 5p15.33.
Variant type: single nucleotide variant.
Coding change: c.63+3G>C on transcript NM_004168.4 (MANE Select); 3 bases into the intron after coding-DNA position 63, G replaced by C.
Molecular consequence: intron variant.
Genome position (GRCh38, 1-based): chr5:218,421, G>C. VCF-style: chr5-218421-G-C. GRCh37 (hg19) VCF-style: chr5-218536-G-C.
Other names: c.63+3G>C (NM_001330758.2, NM_001294332.2, NM_004168.2).
Identifiers: ClinVar variation 1315967 (VCV001315967.3), dbSNP rs2126522872, ClinGen allele CA2573052492.
Genomic context (GRCh38, chr5:218,421, plus strand): 5'-GGGGGTCCGGGGCCTGTCGCGGCTGCTGAGCGCTCGGCGCCTGGCGCTGGCCAAGGCGGT[G>C]AGTCCGTGCCGCGGACCGGGGCGGGGCAGGCGGGGGCCGAGGCGGCGGTAGGAGCGGGAC-3'